The following is an entry in ClinVar:

NM_000059.4(BRCA2):c.9649_*902del (p.Met3217fs)

Gene: BRCA2 (BRCA2 DNA repair associated; plus strand). Cytogenetic location: 13q13.1.
Variant type: Deletion.
Coding change: c.9649_*902del on transcript NM_000059.4 (MANE Select); coding-DNA position 9649 through 902 bases downstream of the stop codon, 1,511 bases deleted.
Protein change: p.Met3217fs; shifts the reading frame from methionine 3217.
Molecular consequence: frameshift variant.
Genome position (GRCh38, 1-based): chr13:32,398,162-32,399,672, 1,511 bases deleted. GRCh37 (hg19): chr13:32,972,299-32,973,809.
Other names: short protein forms M3217fs.
Identifiers: ClinVar variation 531420 (VCV000531420.1), ClinGen allele CA658798102.

ClinVar aggregate classification (germline): Uncertain significance (1 of 4 stars; one submission).

Conditions:
Hereditary breast ovarian cancer syndrome. Also called: Hereditary breast and ovarian cancer syndrome (HBOC); BRCA1- and BRCA2-Associated Hereditary Breast and Ovarian Cancer; Hereditary breast and ovarian cancer syndrome; Breast and ovarian cancer; Hereditary breast and ovarian cancer; Hereditary breast and/or ovarian cancer syndrome. Identifiers: Orphanet 145, MedGen C0677776, MeSH D061325, MONDO:0003582. Disease mechanism: loss of function.

Submission:

Labcorp Genetics (formerly Invitae), Labcorp
Classification: Uncertain significance for Hereditary breast ovarian cancer syndrome. Last evaluated: 2017-09-12. Review status: criteria provided, single submitter. Criteria: Invitae Variant Classification Sherloc (09022015). Collection method: clinical testing. Allele origin: germline.
Comment: This variant is a gross deletion of the genomic region encompassing part of exon 27 of the BRCA2 gene (c.10183_*4588del). While this deletion is not anticipated to result in nonsense mediated decay, it is expected to disrupt the last 24 amino acids of the BRCA2 protein. This variant has not been reported in the literature in individuals with BRCA2-related disease. Experimental studies and prediction algorithms are not available for this partial exon deletion, and the functional significance of the disrupted amino acids is currently unknown. In summary, the available evidence is currently insufficient to determine the role of this variant in disease. Therefore, it has been classified as a Variant of Uncertain Significance.